The following is an entry in ClinVar:

ClinVar aggregate classification (germline): Likely benign (0 of 4 stars; one submission).

Conditions:
EIF2AK4-related disorder. Also called: EIF2AK4-related condition.

gnomAD v4.1: 2 of 1,613,814 alleles (0.00012%); no homozygotes.

Submission:

PreventionGenetics, part of Exact Sciences
Classification: Likely benign for EIF2AK4-related condition. Last evaluated: 2019-04-09. Review status: no assertion criteria provided. Collection method: clinical testing. Allele origin: germline.
Comment: This variant is classified as likely benign based on ACMG/AMP sequence variant interpretation guidelines (Richards et al. 2015 PMID: 25741868, with internal and published modifications).

NM_001013703.4(EIF2AK4):c.4272C>T (p.Ile1424=)

Gene: EIF2AK4 (eukaryotic translation initiation factor 2 alpha kinase 4; plus strand). Cytogenetic location: 15q15.1.
Variant type: single nucleotide variant.
Coding change: c.4272C>T on transcript NM_001013703.4 (MANE Select); coding-DNA position 4272, C replaced by T.
Protein change: p.Ile1424=; no amino-acid change (isoleucine 1424 retained).
Molecular consequence: synonymous variant.
Genome position (GRCh38, 1-based): chr15:40,020,997, C>T. VCF-style: chr15-40020997-C-T. GRCh37 (hg19) VCF-style: chr15-40313198-C-T.
Identifiers: ClinVar variation 3057459 (VCV003057459.2), dbSNP rs916708288, ClinGen allele CA489667216.